The following is an entry in ClinVar:

ClinVar aggregate classification (germline): Uncertain significance. Review status: criteria provided, multiple submitters, no conflicts (2 of 4 stars). 2 submissions from 2 submitters: Uncertain significance (2). Last evaluated 2025-03-04.

Conditions:
Hereditary cancer-predisposing syndrome. Also called: Hereditary neoplastic syndrome; Neoplastic Syndromes, Hereditary; Tumor predisposition; Hereditary Cancer Syndrome. Identifiers: Orphanet 140162, MedGen C0027672, MeSH D009386, MONDO:0015356.

Allele frequency attached by ClinVar (database versions not stated): gnomAD exomes below 0.00001.
gnomAD v4.1: 1 of 1,605,464 alleles (0.000062%); highest among the groups gnomAD compares: East Asian, 0.0022%; no homozygotes.

Submissions (2):

Center for Genomic Medicine, Rigshospitalet, Copenhagen University Hospital
Classification: Uncertain significance. Last evaluated: 2025-03-04. Review status: criteria provided, single submitter. Criteria: ACMG Guidelines, 2015. Collection method: clinical testing. Allele origin: germline.

Ambry Genetics
Classification: Uncertain significance for Hereditary cancer-predisposing syndrome. Last evaluated: 2022-06-08. Review status: criteria provided, single submitter. Criteria: Ambry Variant Classification Scheme 2023. Collection method: clinical testing. Allele origin: germline.
Comment: The p.T93M variant (also known as c.278C>T), located in coding exon 2 of the CDKN2A gene, results from a C to T substitution at nucleotide position 278. The threonine at codon 93 is replaced by methionine, an amino acid with similar properties. This amino acid position is highly conserved in available vertebrate species. In addition, this alteration is predicted to be deleterious by in silico analysis. Since supporting evidence is limited at this time, the clinical significance of this alteration remains unclear.

NM_000077.5(CDKN2A):c.278C>T (p.Thr93Met)

Gene: CDKN2A (cyclin dependent kinase inhibitor 2A; minus strand). Cytogenetic location: 9p21.3.
Variant type: single nucleotide variant.
Coding change: c.278C>T on transcript NM_000077.5; coding-DNA position 278, C replaced by T.
Protein change: p.Thr93Met; replaces threonine 93 with methionine.
Molecular consequence: missense variant (on NM_000077.6). On other transcripts: synonymous variant (1), 3 prime UTR variant (1).
Genome position (GRCh38, 1-based): chr9:21,971,081, G>A on the plus strand (C>T on the coding strand, the complement: CDKN2A is on the minus strand). VCF-style: chr9-21971081-G-A. GRCh37 (hg19) VCF-style: chr9-21971080-G-A.
Other names: c.278C>T, p.Thr93Met (NM_000077.6, NM_001195132.2); c.125C>T, p.Thr42Met (NM_001363763.2); c.321C>T, p.His107= (NM_058195.4); c.*201C>T (NM_058197.5); short protein forms T93M, T42M.
Identifiers: ClinVar variation 1796019 (VCV001796019.7), dbSNP rs876659723, ClinGen allele CA373086162.